The following is an entry in ClinVar:

NM_001080512.3(BICC1):c.80C>T (p.Pro27Leu)

Gene: BICC1 (BicC family RNA binding protein 1; plus strand). Cytogenetic location: 10q21.1.
Variant type: single nucleotide variant.
Coding change: c.80C>T on transcript NM_001080512.3 (MANE Select); coding-DNA position 80, C replaced by T.
Protein change: p.Pro27Leu; replaces proline 27 with leucine.
Molecular consequence: missense variant.
Genome position (GRCh38, 1-based): chr10:58,513,223, C>T. VCF-style: chr10-58513223-C-T. GRCh37 (hg19) VCF-style: chr10-60272983-C-T.
Other names: short protein forms P27L.
Identifiers: ClinVar variation 5000617 (VCV005000617.1).

ClinVar aggregate classification (germline): Uncertain significance (1 of 4 stars; one submission).

Conditions:
BICC1-related disorder. Also called: BICC1-related condition.

gnomAD v4.1: 1 of 1,612,286 alleles (0.000062%); highest among the groups gnomAD compares: Non-Finnish European, 0.000085%; no homozygotes.

Submission:

PreventionGenetics, part of Exact Sciences
Classification: Uncertain significance for BICC1-related condition. Last evaluated: 2025-02-11. Review status: criteria provided, single submitter. Criteria: ACMG Guidelines, 2015. Collection method: clinical testing. Allele origin: germline.
Comment: The BICC1 c.80C>T variant is predicted to result in the amino acid substitution p.Pro27Leu. To our knowledge, this variant has not been reported in the literature or in a large population database (gnomAD), indicating this variant is rare. At this time, the clinical significance of this variant is uncertain due to the absence of conclusive functional and genetic evidence.